The following is an entry in ClinVar:

NM_014233.4(UBTF):c.319-10C>T

Genes: ATXN7L3-AS1 (ATXN7L3 antisense RNA 1; plus strand), UBTF (upstream binding transcription factor; minus strand). Cytogenetic location: 17q21.31.
Variant type: single nucleotide variant.
Coding change: c.319-10C>T on transcript NM_014233.4 (MANE Select); 10 bases into the intron before coding-DNA position 319, C replaced by T.
Molecular consequence: intron variant.
Genome position (GRCh38, 1-based): chr17:44,215,819, G>A on the plus strand (C>T on the coding strand, the complement: UBTF is on the minus strand). VCF-style: chr17-44215819-G-A. GRCh37 (hg19) VCF-style: chr17-42293187-G-A.
Other names: c.319-10C>T (NM_001076683.2, NM_001076684.3).
Identifiers: ClinVar variation 3351940 (VCV003351940.1).

ClinVar aggregate classification (germline): Likely benign (0 of 4 stars; one submission).

Conditions:
UBTF-related disorder. Also called: UBTF-related condition.

gnomAD v4.1: 87 of 1,614,004 alleles (0.0054%); highest among the groups gnomAD compares: South Asian, 0.012%; no homozygotes.

Submission:

PreventionGenetics, part of Exact Sciences
Classification: Likely benign for UBTF-related condition. Last evaluated: 2024-09-10. Review status: no assertion criteria provided. Collection method: clinical testing. Allele origin: germline.
Comment: This variant is classified as likely benign based on ACMG/AMP sequence variant interpretation guidelines (Richards et al. 2015 PMID: 25741868, with internal and published modifications).